The following is an entry in ClinVar:

ClinVar aggregate classification (germline): Uncertain significance. Review status: criteria provided, multiple submitters, no conflicts (2 of 4 stars). 4 submissions from 4 submitters: Uncertain significance (4). Last evaluated 2025-10-12.

Conditions:
Inborn genetic diseases. Identifiers: MedGen C0950123, MeSH D030342.
Early onset severe obesity. Identifiers: MedGen C4013980.
Cohen syndrome (COH1). Also called: Cutis verticis gyrata, retinitis pigmentosa, and sensorineural deafness; PEPPER SYNDROME. Identifiers: Orphanet 193, MedGen C0265223, MONDO:0008999, OMIM 216550.

Allele frequency attached by ClinVar (database versions not stated): gnomAD exomes below 0.00001 and 0.00002; ExAC 0.00001; gnomAD 0.00003; TOPMed 0.00003.
gnomAD v4.1: 29 of 1,614,046 alleles (0.0018%); highest among the groups gnomAD compares: African/African-American, 0.004%; no homozygotes.

Submissions (4):

Labcorp Genetics (formerly Invitae), Labcorp
Classification: Uncertain significance for Cohen syndrome. Last evaluated: 2025-10-12. Review status: criteria provided, single submitter. Criteria: Invitae Variant Classification Sherloc (09022015). Collection method: clinical testing. Allele origin: germline.
Comment: This sequence change replaces lysine, which is basic and polar, with threonine, which is neutral and polar, at codon 1912 of the VPS13B protein (p.Lys1912Thr). This variant is present in population databases (rs757219665, gnomAD 0.004%). This variant has not been reported in the literature in individuals affected with VPS13B-related conditions. ClinVar contains an entry for this variant (Variation ID: 1356989). Invitae Evidence Modeling of protein sequence and biophysical properties (such as structural, functional, and spatial information, amino acid conservation, physicochemical variation, residue mobility, and thermodynamic stability) indicates that this missense variant is not expected to disrupt VPS13B protein function with a negative predictive value of 80%. In summary, the available evidence is currently insufficient to determine the role of this variant in disease. Therefore, it has been classified as a Variant of Uncertain Significance.

Ambry Genetics
Classification: Uncertain significance for Inborn genetic diseases. Last evaluated: 2024-10-01. Review status: criteria provided, single submitter. Criteria: Ambry Variant Classification Scheme 2023. Collection method: clinical testing. Allele origin: germline.

Cambridge Genomics Laboratory, East Genomic Laboratory Hub, NHS Genomic Medicine Service
Classification: Uncertain significance for Severe early-onset obesity. Last evaluated: 2023-11-16. Review status: criteria provided, single submitter. Criteria: ACGS Best Practice Guidelines for Variant Classification in Rare Disease 2020. Collection method: clinical testing. Allele origin: germline. Affected: yes.
Comment: The p.Lys1912Thr variant is observed in 1/34.558 (0.0029%) alleles from individuals of gnomAD Latino background in gnomAD All. The p.Lys1912Thr variant is novel (not in any individuals) in 1kG All. The p.Lys1912Thr variant is observed in 3/41.444 (0.0072%) alleles from individuals of gnomAD Genomes v3 African background in gnomAD Genomes v3 All. (PM2 - Moderate) | The p.Lys1912Thr variant is not predicted to introduce a novel splice site by any splice site algorithm. (BP4 - Supporting)

Blueprint Genetics
Classification: Uncertain significance. Last evaluated: 2020-02-07. Review status: criteria provided, single submitter. Criteria: ACMG Guidelines, 2015. Collection method: clinical testing. Allele origin: germline.

NM_152564.5(VPS13B):c.5660A>C (p.Lys1887Thr)

Gene: VPS13B (vacuolar protein sorting 13 homolog B; plus strand). Cytogenetic location: 8q22.2.
Variant type: single nucleotide variant.
Coding change: c.5660A>C on transcript NM_152564.5 (MANE Select); coding-DNA position 5660, A replaced by C.
Protein change: p.Lys1887Thr; replaces lysine 1887 with threonine.
Molecular consequence: missense variant.
Genome position (GRCh38, 1-based): chr8:99,642,250, A>C. VCF-style: chr8-99642250-A-C. GRCh37 (hg19) VCF-style: chr8-100654478-A-C.
Other names: c.5735A>C, p.Lys1912Thr (NM_017890.5); c.5735A>C (NM_017890.3); short protein forms K1887T, K1912T.
Identifiers: ClinVar variation 1356989 (VCV001356989.9), dbSNP rs757219665, ClinGen allele CA4823854.